The following is an entry in ClinVar:

ClinVar aggregate classification (germline): Benign/Likely benign. Review status: criteria provided, multiple submitters, no conflicts (2 of 4 stars). 2 submissions from 2 submitters: Benign (1); Likely benign (1). Last evaluated 2026-07-01.

Allele frequency attached by ClinVar (database versions not stated): ESP Exome Variant Server 0.00131; 1000 Genomes Project 30x 0.00047; 1000 Genomes Project 0.00060.
gnomAD v4.1: 289 of 1,613,986 alleles (0.018%); highest among the groups gnomAD compares: African/African-American, 0.3%; no homozygotes.

Submissions (2):

CeGaT Center for Human Genetics Tuebingen
Classification: Likely benign. Last evaluated: 2026-07-01. Review status: criteria provided, single submitter. Criteria: CeGaT Center For Human Genetics Tuebingen Variant Classification Criteria Version 2. Collection method: clinical testing. Allele origin: germline. Affected: yes. Observed: 2 variant alleles.
Comment: NCKAP1L: BP4, BP7

Labcorp Genetics (formerly Invitae), Labcorp
Classification: Benign. Last evaluated: 2026-01-07. Review status: criteria provided, single submitter. Criteria: Invitae Variant Classification Sherloc (09022015). Collection method: clinical testing. Allele origin: germline.

NM_005337.5(NCKAP1L):c.993A>G (p.Ala331=)

Gene: NCKAP1L (NCK associated protein 1 like; plus strand). Cytogenetic location: 12q13.2.
Variant type: single nucleotide variant.
Coding change: c.993A>G on transcript NM_005337.5 (MANE Select); coding-DNA position 993, A replaced by G.
Protein change: p.Ala331=; no amino-acid change (alanine 331 retained).
Molecular consequence: synonymous variant.
Genome position (GRCh38, 1-based): chr12:54,516,290, A>G. VCF-style: chr12-54516290-A-G. GRCh37 (hg19) VCF-style: chr12-54910074-A-G.
Other names: c.843A>G, p.Ala281= (NM_001184976.2).
Identifiers: ClinVar variation 2058761 (VCV002058761.17), dbSNP rs145815142, ClinGen allele CA6608994.